The following is an entry in ClinVar:

NM_001297595.2(SIN3B):c.15C>T (p.Gly5=)

Gene: SIN3B (SIN3 transcription regulator family member B; plus strand). Cytogenetic location: 19p13.11.
Variant type: single nucleotide variant.
Coding change: c.15C>T on transcript NM_001297595.2 (MANE Select); coding-DNA position 15, C replaced by T.
Protein change: p.Gly5=; no amino-acid change (glycine 5 retained).
Molecular consequence: synonymous variant.
Genome position (GRCh38, 1-based): chr19:16,829,435, C>T. VCF-style: chr19-16829435-C-T. GRCh37 (hg19) VCF-style: chr19-16940246-C-T.
Other names: c.15C>T, p.Gly5= (NM_015260.4).
Identifiers: ClinVar variation 4874143 (VCV004874143.2).

ClinVar aggregate classification (germline): Likely benign (1 of 4 stars; one submission).

gnomAD v4.1: 10 of 1,208,314 alleles (0.00083%); highest among the groups gnomAD compares: Admixed American, 0.031%; no homozygotes.

Submission:

CeGaT Center for Human Genetics Tuebingen
Classification: Likely benign. Last evaluated: 2026-05-01. Review status: criteria provided, single submitter. Criteria: CeGaT Center For Human Genetics Tuebingen Variant Classification Criteria Version 2. Collection method: clinical testing. Allele origin: germline. Affected: yes. Observed: 1 variant allele.
Comment: SIN3B: BP4, BP7